The following is an entry in ClinVar:

ClinVar aggregate classification (germline): Pathogenic/Likely pathogenic. Review status: criteria provided, multiple submitters, no conflicts (2 of 4 stars). 4 submissions from 4 submitters: Pathogenic (2); Likely pathogenic (2). Last evaluated 2024-11-19.

Conditions:
Hereditary nonpolyposis colorectal neoplasms. Identifiers: MedGen C0009405, MeSH D003123.
Lynch syndrome 4 (LYNCH4). Also called: Colorectal cancer, hereditary nonpolyposis, type 4; Hereditary non-polyposis colorectal cancer, type 4. Identifiers: Orphanet 144, MedGen C1838333, MONDO:0013699, OMIM 614337. Disease mechanism: loss of function.
Mismatch repair cancer syndrome 4. Identifiers: MedGen C5436817, MONDO:0030843, OMIM 619101.
Hereditary cancer-predisposing syndrome. Also called: Neoplastic Syndromes, Hereditary; Tumor predisposition; Hereditary Cancer Syndrome; Hereditary neoplastic syndrome. Identifiers: Orphanet 140162, MedGen C0027672, MeSH D009386, MONDO:0015356.

Submissions (4):

Quest Diagnostics Nichols Institute San Juan Capistrano
Classification: Likely pathogenic. Last evaluated: 2024-11-19. Review status: criteria provided, single submitter. Criteria: Quest Diagnostics criteria. Collection method: clinical testing. Allele origin: unknown.
Comment: The PMS2 c.2536G>T (p.Gly846*) variant is predicted to cause the premature termination of PMS2 protein synthesis in a region that is considered important for protein function and/or structure (PMID: 10037723 (1999), 20533529 (2010)). This variant has been identified in at least one individual with clinical features associated with this gene (Quest internal data). This variant has not been reported in large, multi-ethnic general populations (Genome Aggregation Database). Based on the available information, this variant is classified as likely pathogenic.

Labcorp Genetics (formerly Invitae), Labcorp
Classification: Likely pathogenic for Hereditary nonpolyposis colorectal neoplasms. Last evaluated: 2024-04-22. Review status: criteria provided, single submitter. Criteria: Invitae Variant Classification Sherloc (09022015). Collection method: clinical testing. Allele origin: germline.
Comment: This sequence change creates a premature translational stop signal (p.Gly846*) in the PMS2 gene. While this is not anticipated to result in nonsense mediated decay, it is expected to disrupt the last 17 amino acid(s) of the PMS2 protein. The frequency data for this variant in the population databases (gnomAD) is considered unreliable due to the presence of homologous sequence, such as pseudogenes or paralogs, in the genome. This premature translational stop signal has been observed in individual(s) with clinical features of Lynch syndrome (Invitae). ClinVar contains an entry for this variant (Variation ID: 821412). This variant disrupts the MLH1 interaction domain of the PMS2 protein, which has been shown to be critical for PMS2-MLH1 dimerization (PMID: 10037723), and therefore mismatch repair activity (PMID: 16338176, 20533529). While functional studies have not been performed to directly test the effect of this variant on PMS2 protein function, this suggests that disruption of this region of the protein is causative of disease. This variant disrupts a region of the PMS2 protein in which other variant(s) (p.Ile853Met) have been observed in individuals with PMS2-related conditions (Invitae). This suggests that this is a clinically significant region of the protein, and that variants that disrupt it are likely to be disease-causing. In summary, the currently available evidence indicates that the variant is pathogenic, but additional data are needed to prove that conclusively. Therefore, this variant has been classified as Likely Pathogenic.

Ambry Genetics
Classification: Pathogenic for Hereditary cancer-predisposing syndrome. Last evaluated: 2022-04-11. Review status: criteria provided, single submitter. Criteria: Ambry Variant Classification Scheme 2023. Collection method: clinical testing. Allele origin: germline.
Comment: The p.G846* pathogenic mutation (also known as c.2536G>T), located in coding exon 15 of the PMS2 gene, results from a G to T substitution at nucleotide position 2536. This changes the amino acid from a glycine to a stop codon within coding exon 15. This alteration occurs at the 3' terminus of thePMS2 gene, is not expected to trigger nonsense-mediated mRNA decay, and only impacts the last 17 amino acids of the protein. However, premature stop codons are typically deleterious in nature and the impacted region is critical for protein function (Ambry internal data). This variant is considered to be rare based on population cohorts in the Genome Aggregation Database (gnomAD). Based on the supporting evidence, this alteration is interpreted as a disease-causing mutation.

Department of Pathology and Laboratory Medicine, Sinai Health System
Classification: Pathogenic for Lynch syndrome 4; Mismatch repair cancer syndrome 4. Last evaluated: 2021-11-22. Review status: criteria provided, single submitter. Criteria: ACMG Guidelines, 2015. Collection method: clinical testing. Allele origin: germline. Affected: no.

Literature cited by the submitters: PubMed 20533529 (cited by Quest Diagnostics Nichols Institute San Juan Capistrano and Labcorp Genetics (formerly Invitae), Labcorp); PubMed 16338176 (cited by Quest Diagnostics Nichols Institute San Juan Capistrano and Labcorp Genetics (formerly Invitae), Labcorp); PubMed 10037723 (cited by Quest Diagnostics Nichols Institute San Juan Capistrano and Labcorp Genetics (formerly Invitae), Labcorp); PubMed 18619468 (cited by Quest Diagnostics Nichols Institute San Juan Capistrano).

NM_000535.7(PMS2):c.2536G>T (p.Gly846Ter)

Gene: PMS2 (PMS1 homolog 2, mismatch repair system component; minus strand). Cytogenetic location: 7p22.1.
Variant type: single nucleotide variant.
Coding change: c.2536G>T on transcript NM_000535.7 (MANE Select); coding-DNA position 2536, G replaced by T.
Protein change: p.Gly846Ter; replaces glycine 846 with a stop codon.
Molecular consequence: nonsense. On other transcripts: non-coding transcript variant (1).
Genome position (GRCh38, 1-based): chr7:5,973,452, C>A on the plus strand (G>T on the coding strand, the complement: PMS2 is on the minus strand). VCF-style: chr7-5973452-C-A. GRCh37 (hg19) VCF-style: chr7-6013083-C-A.
Other names: c.2131G>T, p.Gly711Ter (NM_001322003.2, NM_001322004.2, NM_001322005.2); c.2380G>T, p.Gly794Ter (NM_001322006.2); c.2218G>T, p.Gly740Ter (NM_001322007.2, NM_001322008.2); c.2164G>T, p.Gly722Ter (NM_001322009.2); c.1975G>T, p.Gly659Ter (NM_001322010.2); c.1603G>T, p.Gly535Ter (NM_001322011.2, NM_001322012.2); c.1963G>T, p.Gly655Ter (NM_001322013.2); c.2569G>T, p.Gly857Ter (NM_001322014.2); and 2 more; short protein forms G655*, G711*, G722*, G740*, G743*, G535*, G659*, G794*.
Identifiers: ClinVar variation 821412 (VCV000821412.9), dbSNP rs1583269216, ClinGen allele CA366734842.